The following is an entry in ClinVar:

NM_173086.5(KRT6C):c.62A>G (p.Asn21Ser)

Gene: KRT6C (keratin 6C; minus strand). Cytogenetic location: 12q13.13.
Variant type: single nucleotide variant.
Coding change: c.62A>G on transcript NM_173086.5 (MANE Select); coding-DNA position 62, A replaced by G.
Protein change: p.Asn21Ser; replaces asparagine 21 with serine.
Molecular consequence: missense variant.
Genome position (GRCh38, 1-based): chr12:52,473,676, T>C on the plus strand (A>G on the coding strand, the complement: KRT6C is on the minus strand). VCF-style: chr12-52473676-T-C. GRCh37 (hg19) VCF-style: chr12-52867460-T-C.
Other names: short protein forms N21S.
Identifiers: ClinVar variation 3388210 (VCV003388210.15).

ClinVar aggregate classification (germline): Likely benign. Review status: criteria provided, multiple submitters, no conflicts (2 of 4 stars). 2 submissions from 2 submitters: Likely benign (2). Last evaluated 2024-11-27.

Submissions (2):

Blueprint Genetics
Classification: Likely benign. Last evaluated: 2024-11-27. Review status: criteria provided, single submitter. Criteria: ACMG Guidelines, 2015. Collection method: clinical testing. Allele origin: germline.

CeGaT Center for Human Genetics Tuebingen
Classification: Likely benign. Last evaluated: 2024-11-01. Review status: criteria provided, single submitter. Criteria: CeGaT Center For Human Genetics Tuebingen Variant Classification Criteria Version 2. Collection method: clinical testing. Allele origin: germline. Affected: yes. Observed: 1 variant allele.
Comment: KRT6C: PP2, BP4, BS1